The following continues an entry in ClinVar:

NM_000432.4(MYL2):c.64G>A (p.Glu22Lys)

ClinVar aggregate classification (germline): Pathogenic/Likely pathogenic. Pathogenic (15); Likely pathogenic (5).

Submissions 22 to 26 of 26:

Leiden Muscular Dystrophy (MYL2)
No classification provided. Condition: Familial hypertrophic cardiomyopathy 10. Last evaluated: 2012-03-26. Review status: no classification provided. Collection method: curation. Allele origin: germline. Not counted in ClinVar's aggregate classification.

OMIM
Classification: Pathogenic for CARDIOMYOPATHY, FAMILIAL HYPERTROPHIC, 10. Last evaluated: 2002-11-01. Review status: no assertion criteria provided. Collection method: literature only. Allele origin: germline. Not counted in ClinVar's aggregate classification.

Clinical Genetics, Academic Medical Center
Classification: Pathogenic. Review status: no assertion criteria provided. Collection method: clinical testing. Allele origin: germline. Affected: yes. Study: VKGL Data-share Consensus. Not counted in ClinVar's aggregate classification.

Diagnostic Laboratory, Department of Genetics, University Medical Center Groningen
Classification: Pathogenic for Hypertrophic cardiomyopathy 10. Review status: no assertion criteria provided. Collection method: clinical testing. Allele origin: germline. Affected: yes. Study: VKGL Data-share Consensus. Not counted in ClinVar's aggregate classification.

Joint Genome Diagnostic Labs from Nijmegen and Maastricht, Radboudumc and MUMC+
Classification: Pathogenic. Review status: no assertion criteria provided. Collection method: clinical testing. Allele origin: germline. Affected: yes. Study: VKGL Data-share Consensus. Not counted in ClinVar's aggregate classification.

Literature cited by the submitters: PubMed 12404107 (cited by 10 submitters); PubMed 8673105 (cited by 11 submitters); PubMed 26497160 (cited by 8 submitters); PubMed 27532257 (cited by 7 submitters); PubMed 12668451 (cited by 10 submitters); PubMed 14594949 (cited by 8 submitters); PubMed 16076902 (cited by 7 submitters); PubMed 17606808 (cited by 8 submitters); PubMed 25324513 (cited by 6 submitters); PubMed 11102452 (cited by 7 submitters); PubMed 10948063 (cited by 4 submitters); PubMed 9724616 (cited by 3 submitters); PubMed 16751284 (cited by Dasa and Laboratory for Molecular Medicine, Mass General Brigham Personalized Medicine); PubMed 21896538 (cited by Ambry Genetics and Laboratory for Molecular Medicine, Mass General Brigham Personalized Medicine); PubMed 25351510 (cited by Ambry Genetics); PubMed 27435932 (cited by Ambry Genetics and Forensic Genetics Laboratory, Harris County Institute of Forensic Sciences); PubMed 28138913 (cited by Ambry Genetics); PubMed 28166811 (cited by Ambry Genetics); PubMed 28771489 (cited by Ambry Genetics); PubMed 30706179 (cited by Ambry Genetics); PubMed 30847666 (cited by Ambry Genetics and AiLife Diagnostics); PubMed 31513939 (cited by Ambry Genetics and AiLife Diagnostics); PubMed 32880476 (cited by Ambry Genetics and AiLife Diagnostics); PubMed 33548158 (cited by 4 submitters); PubMed 33662488 (cited by Ambry Genetics); PubMed 33673806 (cited by 4 submitters); PubMed 35050212 (cited by Ambry Genetics); PubMed 35653365 (cited by Ambry Genetics); PubMed 33495596 (cited by All of Us Research Program, National Institutes of Health and Color Diagnostics, LLC DBA Color Health); PubMed 33495597 (cited by All of Us Research Program, National Institutes of Health and Color Diagnostics, LLC DBA Color Health); PubMed 21310275 (cited by AiLife Diagnostics); PubMed 33087929 (cited by AiLife Diagnostics); PubMed 32665702 (cited by AiLife Diagnostics).